The following is an entry in ClinVar:

ClinVar aggregate classification (germline): Uncertain significance (1 of 4 stars; one submission).

Conditions:
Autosomal recessive nonsyndromic hearing loss 84B. Also called: Deafness, autosomal recessive 84b. Identifiers: Orphanet 90636, MedGen C3554159, MONDO:0013984, OMIM 614944.

Allele frequency attached by ClinVar (database versions not stated): gnomAD exomes 0.00002; gnomAD 0.00001; TOPMed 0.00001.
gnomAD v4.1: 26 of 1,526,542 alleles (0.0017%); highest among the groups gnomAD compares: Non-Finnish European, 0.002%; no homozygotes.

Submission:

Labcorp Genetics (formerly Invitae), Labcorp
Classification: Uncertain significance. Last evaluated: 2021-10-27. Review status: criteria provided, single submitter. Criteria: Invitae Variant Classification Sherloc (09022015). Collection method: clinical testing. Allele origin: germline.
Comment: In summary, the available evidence is currently insufficient to determine the role of this variant in disease. Therefore, it has been classified as a Variant of Uncertain Significance. Algorithms developed to predict the effect of missense changes on protein structure and function are either unavailable or do not agree on the potential impact of this missense change (SIFT: "Tolerated"; PolyPhen-2: "Possibly Damaging"; Align-GVGD: "Class C0"). This variant has not been reported in the literature in individuals affected with OTOGL-related conditions. This variant is not present in population databases (gnomAD no frequency). This sequence change replaces threonine, which is neutral and polar, with isoleucine, which is neutral and non-polar, at codon 920 of the OTOGL protein (p.Thr920Ile).

NM_001378609.3(OTOGL):c.2786C>T (p.Thr929Ile)

Gene: OTOGL (otogelin like; plus strand). Cytogenetic location: 12q21.31.
Variant type: single nucleotide variant.
Coding change: c.2786C>T on transcript NM_001378609.3 (MANE Select); coding-DNA position 2786, C replaced by T.
Protein change: p.Thr929Ile; replaces threonine 929 with isoleucine.
Molecular consequence: missense variant.
Genome position (GRCh38, 1-based): chr12:80,278,272, C>T. VCF-style: chr12-80278272-C-T. GRCh37 (hg19) VCF-style: chr12-80672052-C-T.
Other names: c.2786C>T, p.Thr929Ile (NM_001368062.3, NM_001378610.3, NM_173591.7); c.2759C>T (NM_173591.3); short protein forms T929I.
Identifiers: ClinVar variation 1381500 (VCV001381500.5), dbSNP rs1213326936, ClinGen allele CA385858105.